The following is an entry in ClinVar:

ClinVar aggregate classification (germline): Likely pathogenic (1 of 4 stars; one submission).

Conditions:
DNA ligase IV deficiency. Identifiers: Orphanet 99812, MedGen C1847827, MONDO:0011686, OMIM 606593.

gnomAD v4.1: 8 of 1,613,322 alleles (0.0005%); highest among the groups gnomAD compares: Non-Finnish European, 0.00068%; no homozygotes.

Submission:

Labcorp Genetics (formerly Invitae), Labcorp
Classification: Likely pathogenic for DNA ligase IV deficiency. Last evaluated: 2023-06-20. Review status: criteria provided, single submitter. Criteria: Invitae Variant Classification Sherloc (09022015). Collection method: clinical testing. Allele origin: germline.
Comment: Advanced modeling of protein sequence and biophysical properties (such as structural, functional, and spatial information, amino acid conservation, physicochemical variation, residue mobility, and thermodynamic stability) performed at Invitae indicates that this missense variant is expected to disrupt LIG4 protein function. In summary, the currently available evidence indicates that the variant is pathogenic, but additional data are needed to prove that conclusively. Therefore, this variant has been classified as Likely Pathogenic. This variant disrupts the p.Arg278 amino acid residue in LIG4. Other variant(s) that disrupt this residue have been determined to be pathogenic (PMID: 26762768). This suggests that this residue is clinically significant, and that variants that disrupt this residue are likely to be disease-causing. This missense change has been observed in individual(s) with atypical severe combined immunodeficiency (PMID: 21664875). This variant is not present in population databases (gnomAD no frequency). This sequence change replaces arginine, which is basic and polar, with proline, which is neutral and non-polar, at codon 278 of the LIG4 protein (p.Arg278Pro).

Literature cited by the submitters: PubMed 26762768; PubMed 21664875.

NM_206937.2(LIG4):c.833G>C (p.Arg278Pro)

Gene: LIG4 (DNA ligase 4; minus strand). Cytogenetic location: 13q33.3.
Variant type: single nucleotide variant.
Coding change: c.833G>C on transcript NM_206937.2 (MANE Select); coding-DNA position 833, G replaced by C.
Protein change: p.Arg278Pro; replaces arginine 278 with proline.
Molecular consequence: missense variant.
Genome position (GRCh38, 1-based): chr13:108,210,436, C>G on the plus strand (G>C on the coding strand, the complement: LIG4 is on the minus strand). VCF-style: chr13-108210436-C-G. GRCh37 (hg19) VCF-style: chr13-108862784-C-G.
Other names: c.833G>C, p.Arg278Pro (NM_001098268.2, NM_001352598.2, NM_001352599.2 and 6 more transcripts); c.632G>C, p.Arg211Pro (NM_001330595.2); c.869G>C, p.Arg290Pro (NM_001352604.2); short protein forms R278P, R211P, R290P.
Identifiers: ClinVar variation 2736057 (VCV002736057.3), dbSNP rs104894421, ClinGen allele CA388619865.
Genomic context (GRCh38, chr13:108,210,436, plus strand): 5'-TAGTTATATCCATTTCGAGAGAAGTATTTATATACATCTCCATCTTTGTGCATTTGCATA[C>G]GTTCACCATCTAGCTTGGTTTCTATGTAGAAACTCTGATGTTTCATATCCTTCTCAATGT-3'
Protein context (NP_996820.1, residues 268-288): FYIETKLDGE[Arg278Pro]MQMHKDGDVY